The following is an entry in ClinVar:

NM_001278716.2(FBXL4):c.1721C>T (p.Pro574Leu)

Gene: FBXL4 (F-box and leucine rich repeat protein 4; minus strand). Cytogenetic location: 6q16.1.
Variant type: single nucleotide variant.
Coding change: c.1721C>T on transcript NM_001278716.2 (MANE Select); coding-DNA position 1721, C replaced by T.
Protein change: p.Pro574Leu; replaces proline 574 with leucine.
Molecular consequence: missense variant. On other transcripts: non-coding transcript variant (1).
Genome position (GRCh38, 1-based): chr6:98,874,423, G>A on the plus strand (C>T on the coding strand, the complement: FBXL4 is on the minus strand). VCF-style: chr6-98874423-G-A. GRCh37 (hg19) VCF-style: chr6-99322299-G-A.
Other names: p.Pro574Leu; c.1721C>T (NM_012160.3); c.1721C>T, p.Pro574Leu (NM_012160.5); short protein forms P574L.
Identifiers: ClinVar variation 437799 (VCV000437799.8), dbSNP rs779731686, ClinGen allele CA3933358.
Genomic context (GRCh38, chr6:98,874,423, plus strand): 5'-AAGGACACATCAAGTAAAGAAAGATCTTTACAAGATTCCAGGAGTTTTCTTAAGGATGCC[G>A]GACTTACCATTCTTGTTCCTATTTAAGGGAAACAAAACAAAACAAAACAAAACACCTTAA-3'
Protein context (NP_001265645.1, residues 564-584): LDILGTRMVS[Pro574Leu]ASLRKLLESC

ClinVar aggregate classification (germline): Uncertain significance. Review status: criteria provided, multiple submitters, no conflicts (2 of 4 stars). 5 submissions from 5 submitters: Uncertain significance (5). Last evaluated 2024-09-24.

Conditions:
Mitochondrial DNA depletion syndrome 13. Also called: FBXL4-Related Encephalomyopathic Mitochondrial DNA Depletion Syndrome; Mitochondrial DNA depletion syndrome 13 (encephalomyopathic type). Identifiers: Orphanet 369897, MedGen C3809592, MONDO:0014198, OMIM 615471.
Inborn genetic diseases. Identifiers: MedGen C0950123, MeSH D030342.

Allele frequency attached by ClinVar (database versions not stated): TOPMed 0.00002.
gnomAD v4.1: 51 of 1,607,186 alleles (0.0032%); highest among the groups gnomAD compares: East Asian, 0.0045%; no homozygotes.

Submissions (5):

Labcorp Genetics (formerly Invitae), Labcorp
Classification: Uncertain significance. Last evaluated: 2024-09-24. Review status: criteria provided, single submitter. Criteria: Invitae Variant Classification Sherloc (09022015). Collection method: clinical testing. Allele origin: germline.
Comment: This sequence change replaces proline, which is neutral and non-polar, with leucine, which is neutral and non-polar, at codon 574 of the FBXL4 protein (p.Pro574Leu). This variant is present in population databases (rs779731686, gnomAD 0.01%). This variant has not been reported in the literature in individuals affected with FBXL4-related conditions. ClinVar contains an entry for this variant (Variation ID: 437799). Invitae Evidence Modeling of protein sequence and biophysical properties (such as structural, functional, and spatial information, amino acid conservation, physicochemical variation, residue mobility, and thermodynamic stability) indicates that this missense variant is not expected to disrupt FBXL4 protein function with a negative predictive value of 80%. In summary, the available evidence is currently insufficient to determine the role of this variant in disease. Therefore, it has been classified as a Variant of Uncertain Significance.

Mayo Clinic Laboratories, Mayo Clinic
Classification: Uncertain significance. Last evaluated: 2023-01-11. Review status: criteria provided, single submitter. Criteria: ACMG Guidelines, 2015. Collection method: clinical testing. Allele origin: germline. Observed: 1 variant allele.
Comment: BP4, PM2

Revvity Omics, Revvity
Classification: Uncertain significance for Mitochondrial DNA depletion syndrome 13. Last evaluated: 2022-12-08. Review status: criteria provided, single submitter. Criteria: ACMG Guidelines, 2015. Collection method: clinical testing. Allele origin: germline.

Ambry Genetics
Classification: Uncertain significance for Inborn genetic diseases. Last evaluated: 2021-08-23. Review status: criteria provided, single submitter. Criteria: Ambry Variant Classification Scheme 2023. Collection method: clinical testing. Allele origin: germline.

Wong Mito Lab, Molecular and Human Genetics, Baylor College of Medicine
Classification: Uncertain significance for Mitochondrial DNA depletion syndrome 13. Last evaluated: 2017-08-10. Review status: criteria provided, single submitter. Criteria: ACMG Guidelines, 2015. Collection method: reference population. Allele origin: germline.
Comment: The NM_012160.4:c.1721C>T (NP_036292.2:p.Pro574Leu) [GRCH38: NC_000006.12:g.98874423G>A] variant in FBXL4 gene is interpretated to be a Uncertain Significance - Conflicting Evidence based on ACMG guidelines (PMID: 25741868). This variant meets one or more of the following evidence codes reported in the ACMG-guideline. PM2:This variant is absent in key population databases. BP4:Computational evidence/predictors indicate no impact on the FBXL4 structure, function, or protein-protein interaction. Based on this evidence code ClinGen Pathogenicity Calculator (PMID:28081714) suggested that the variant is Uncertain Significance - Conflicting Evidence.